The following is an entry in ClinVar:

NM_001330078.2(NRXN1):c.3365-109721G>T

Gene: NRXN1 (neurexin 1; minus strand). Cytogenetic location: 2p16.3.
Variant type: single nucleotide variant.
Coding change: c.3365-109721G>T on transcript NM_001330078.2 (MANE Select); 109721 bases into the intron before coding-DNA position 3365, G replaced by T.
Molecular consequence: intron variant. On other transcripts: missense variant (4).
Genome position (GRCh38, 1-based): chr2:50,346,691, C>A on the plus strand (G>T on the coding strand, the complement: NRXN1 is on the minus strand). VCF-style: chr2-50346691-C-A. GRCh37 (hg19) VCF-style: chr2-50573829-C-A.
Other names: c.259G>T, p.Ala87Ser (NM_001330091.2, NM_001330092.2, NM_001330097.2 and 1 more transcripts); c.3254-109721G>T (NM_001330096.2, NM_001330087.2); c.3299-109721G>T (NM_001330083.2, NM_001330084.2); c.3284-109721G>T (NM_001330088.2); c.3362-109721G>T (NM_001330093.2); c.3353-109721G>T (NM_001330094.2); c.3314-109721G>T (NM_001330095.2); c.3341-109721G>T (NM_001330082.2, NM_001330077.2); and 4 more; short protein forms A87S.
Identifiers: ClinVar variation 1202202 (VCV001202202.4), dbSNP rs757004682, ClinGen allele CA346820235.

ClinVar aggregate classification (germline): Uncertain significance. Review status: criteria provided, multiple submitters, no conflicts (2 of 4 stars). 2 submissions from 2 submitters: Uncertain significance (2). Last evaluated 2022-12-21.

Conditions:
NRXN1-related disorder.

Allele frequency attached by ClinVar (database versions not stated): gnomAD exomes below 0.00001 and 0.00001.
gnomAD v4.1: 4 of 1,613,094 alleles (0.00025%); highest among the groups gnomAD compares: Non-Finnish European, 0.00034%; no homozygotes.

Submissions (2):

PreventionGenetics, part of Exact Sciences
Classification: Uncertain significance for NRXN1-related condition. Last evaluated: 2022-12-21. Review status: criteria provided, single submitter. Criteria: ACMG Guidelines, 2015. Collection method: clinical testing. Allele origin: germline.
Comment: The NRXN1 c.259G>T variant is predicted to result in the amino acid substitution p.Ala87Ser. This variant was reported in an individual with an unspecified neurodevelopmental disorder (Supplementary Table 5, Wang et al 2020. PubMed ID: 33004838). This variant is reported in 0.00090% of alleles in individuals of European (Non-Finnish) descent in gnomAD. At this time, the clinical significance of this variant is uncertain due to the absence of conclusive functional and genetic evidence.

GeneDx
Classification: Uncertain significance. Last evaluated: 2019-12-06. Review status: criteria provided, single submitter. Criteria: GeneDx Variant Classification Process June 2021. Collection method: clinical testing. Allele origin: germline. Affected: yes.
Comment: Has not been previously published as pathogenic or benign to our knowledge; Not observed at a significant frequency in large population cohorts (Lek et al., 2016); In silico analysis, which includes splice predictors and evolutionary conservation, suggests this variant may impact gene splicing. In the absence of RNA/functional studies, the actual effect of this sequence change is unknown.; In silico analysis, which includes splice predictors and evolutionary conservation, supports that the missense change does not alter protein structure/function